The following is an entry in ClinVar:

ClinVar aggregate classification (germline): other (0 of 4 stars; one submission).

Conditions:
Familial colorectal cancer. Identifiers: MedGen CN280943, MONDO:0023113. Disease mechanism: loss of function.

Submission:

Systems Biology Platform Zhejiang California International NanoSystems Institute
Classification: other for Familial colorectal cancer. Review status: no assertion criteria provided. Collection method: not provided. Allele origin: unknown.
ClinVar note: Converted during submission from cancer to other.

NM_000038.6(APC):c.835-5434G>T

Gene: APC (APC regulator of WNT signaling pathway; plus strand). Cytogenetic location: 5q22.2.
Variant type: single nucleotide variant.
Coding change: c.835-5434G>T on transcript NM_000038.6 (MANE Select); 5434 bases into the intron before coding-DNA position 835, G replaced by T.
Molecular consequence: intron variant.
Genome position (GRCh38, 1-based): chr5:112,810,061, G>T. VCF-style: chr5-112810061-G-T. GRCh37 (hg19) VCF-style: chr5-112145758-G-T.
Other names: c.835-5434G>T (NM_001354895.2, NM_001127510.3, NM_001354896.2 and 1 more transcripts); c.865-5434G>T (NM_001354897.2, NM_001354902.2); c.781-5434G>T (NM_001127511.3); c.760-5434G>T (NM_001354898.2, NM_001354904.2); c.-201-65G>T (NM_001354906.2); c.751-5434G>T (NM_001354899.2); c.658-5434G>T (NM_001354900.2, NM_001354901.2, NM_001354905.2).
Identifiers: ClinVar variation 83078 (VCV000083078.2), dbSNP rs76064772, ClinGen allele CA015289.